The following is an entry in ClinVar:

NM_000038.6(APC):c.4478_4479delinsTA (p.Thr1493Ile)

Gene: APC (APC regulator of Wnt signaling pathway; plus strand). Cytogenetic location: 5q22.2.
Variant type: Indel.
Coding change: c.4478_4479delinsTA on transcript NM_000038.6 (MANE Select); coding-DNA positions 4478 to 4479, CG replaced by TA.
Protein change: p.Thr1493Ile; replaces threonine 1493 with isoleucine.
Molecular consequence: missense variant.
Genome position (GRCh38, 1-based): chr5:112,840,072-112,840,073, CG replaced by TA. VCF-style: chr5-112840072-CG-TA. GRCh37 (hg19) VCF-style: chr5-112175769-CG-TA.
Other names: c.4478_4479delinsTA, p.Thr1493Ile (NM_001127510.3, NM_001354895.2); c.4424_4425delinsTA, p.Thr1475Ile (NM_001127511.3); c.4532_4533delinsTA, p.Thr1511Ile (NM_001354896.2); c.4508_4509delinsTA, p.Thr1503Ile (NM_001354897.2); c.4403_4404delinsTA, p.Thr1468Ile (NM_001354898.2); c.4394_4395delinsTA, p.Thr1465Ile (NM_001354899.2); c.4355_4356delinsTA, p.Thr1452Ile (NM_001354900.2); c.4301_4302delinsTA, p.Thr1434Ile (NM_001354901.2); and 6 more; short protein forms T1333I, T1434I, T1475I, T1210I, T1392I, T1367I, T1452I, T1465I.
Identifiers: ClinVar variation 920043 (VCV000920043.15), dbSNP rs1561592843, ClinGen allele CA1139659015.
Genomic context (GRCh38, chr5:112,840,072, plus strand): 5'-ATGCTGCAGTTCAGAGGGTCCAGGTTCTTCCAGATGCTGATACTTTATTACATTTTGCCA[CG>TA]GAAAGTACTCCAGATGGATTTTCTTGTTCATCCAGCCTGAGTGCTCTGAGCCTCGATGAG-3'
Protein context (NP_000029.2, residues 1483-1503): PDADTLLHFA[Thr1493Ile]ESTPDGFSCS

ClinVar aggregate classification (germline): Uncertain significance. Review status: criteria provided, multiple submitters, no conflicts (2 of 4 stars). 3 submissions from 3 submitters: Uncertain significance (3). Last evaluated 2025-05-07.

Conditions:
Hereditary cancer-predisposing syndrome. Also called: Neoplastic Syndromes, Hereditary; Tumor predisposition; Hereditary Cancer Syndrome; Hereditary neoplastic syndrome. Identifiers: Orphanet 140162, MedGen C0027672, MeSH D009386, MONDO:0015356.
Familial adenomatous polyposis 1 (FAP1). Also called: FAMILIAL ADENOMATOUS POLYPOSIS 1, ATTENUATED; POLYPOSIS, ADENOMATOUS INTESTINAL. Identifiers: MedGen C2713442, MONDO:0021056, OMIM 175100. Disease mechanism: loss of function.

Submissions (3):

Ambry Genetics
Classification: Uncertain significance for Hereditary cancer-predisposing syndrome. Last evaluated: 2025-05-07. Review status: criteria provided, single submitter. Criteria: Ambry Variant Classification Scheme 2023. Collection method: clinical testing. Allele origin: germline.
Comment: The c.4478_4479delCGinsTA variant (also known as p.T1493I), located in coding exon 15 of the APC gene, results from an in-frame deletion of CG and insertion of TA at nucleotide positions 4478 to 4479. This results in the substitution of the threonine residue for an isoleucine residue at codon 1493, an amino acid with similar properties. This amino acid position is well conserved in available vertebrate species. In silico predictors for this gene do not accurately predict pathogenicity. Based on the available evidence, the clinical significance of this variant remains unclear.

Labcorp Genetics (formerly Invitae), Labcorp
Classification: Uncertain significance for Familial adenomatous polyposis 1. Last evaluated: 2022-02-17. Review status: criteria provided, single submitter. Criteria: Invitae Variant Classification Sherloc (09022015). Collection method: clinical testing. Allele origin: germline.
Comment: ClinVar contains an entry for this variant (Variation ID: 920043). Algorithms developed to predict the effect of missense changes on protein structure and function are either unavailable or do not agree on the potential impact of this missense change (SIFT: "Not Available"; PolyPhen-2: "Probably Damaging"; Align-GVGD: "Not Available"). Algorithms developed to predict the effect of sequence changes on RNA splicing suggest that this variant may create or strengthen a splice site. In summary, the available evidence is currently insufficient to determine the role of this variant in disease. Therefore, it has been classified as a Variant of Uncertain Significance. This variant has not been reported in the literature in individuals affected with APC-related conditions. This sequence change replaces threonine, which is neutral and polar, with isoleucine, which is neutral and non-polar, at codon 1493 of the APC protein (p.Thr1493Ile). This variant is present in population databases (no rsID available, gnomAD 0.04%).

Color Diagnostics, LLC DBA Color Health
Classification: Uncertain significance for Hereditary cancer-predisposing syndrome. Last evaluated: 2020-04-06. Review status: criteria provided, single submitter. Criteria: ACMG Guidelines, 2015. Collection method: clinical testing. Allele origin: germline.
Comment: This missense variant replaces threonine with isoleucine at codon 1493 of the APC protein. To our knowledge, functional studies have not been reported for this variant. This variant has not been reported in individuals affected with hereditary cancer in the literature. This variant has not been identified in the general population by the Genome Aggregation Database (gnomAD). The available evidence is insufficient to determine the role of this variant in disease conclusively. Therefore, this variant is classified as a Variant of Uncertain Significance.